The following is an entry in ClinVar:

NM_000489.6(ATRX):c.3224A>G (p.Asp1075Gly)

Gene: ATRX (ATRX chromatin remodeler; minus strand). Cytogenetic location: Xq21.1.
Variant type: single nucleotide variant.
Coding change: c.3224A>G on transcript NM_000489.6 (MANE Select); coding-DNA position 3224, A replaced by G.
Protein change: p.Asp1075Gly; replaces aspartic acid 1075 with glycine.
Molecular consequence: missense variant.
Genome position (GRCh38, 1-based): chrX:77,682,032, T>C on the plus strand (A>G on the coding strand, the complement: ATRX is on the minus strand). VCF-style: chrX-77682032-T-C. GRCh37 (hg19) VCF-style: chrX-76937524-T-C.
Other names: c.3110A>G, p.Asp1037Gly (NM_138270.5); short protein forms D1075G, D1037G.
Identifiers: ClinVar variation 424012 (VCV000424012.10), dbSNP rs1064796745, ClinGen allele CA16621506.

ClinVar aggregate classification (germline): Conflicting classifications of pathogenicity. Review status: criteria provided, conflicting classifications (1 of 4 stars). 4 submissions from 4 submitters: Uncertain significance (2); Benign (1). 1 of the submissions does not count toward it. Last evaluated 2025-10-10.

Conditions:
Inborn genetic diseases. Identifiers: MedGen C0950123, MeSH D030342.
Alpha thalassemia-X-linked intellectual disability syndrome (ATRX). Also called: ALPHA-THALASSEMIA/MENTAL RETARDATION SYNDROME, X-LINKED; X-linked alpha-thalassemia-mental retardation syndrome; ATR-X syndrome; Alpha thalassemia mental retardation syndrome, nondeletion type, X-linked; XLMR hypotonic face syndrome; ATR, NONDELETION TYPE. Identifiers: Orphanet 847, MedGen C1845055, MONDO:0010519, OMIM 301040.

Allele frequency attached by ClinVar (database versions not stated): gnomAD 0.00003; TOPMed 0.00001.
gnomAD v4.1: 92 of 1,208,908 alleles (0.0076%); highest among the groups gnomAD compares: Non-Finnish European, 0.0098%; no homozygotes.

Submissions (4):

Labcorp Genetics (formerly Invitae), Labcorp
Classification: Benign for Alpha thalassemia-X-linked intellectual disability syndrome. Last evaluated: 2025-10-10. Review status: criteria provided, single submitter. Criteria: Invitae Variant Classification Sherloc (09022015). Collection method: clinical testing. Allele origin: germline.

Ambry Genetics
Classification: Uncertain significance for Inborn genetic diseases. Last evaluated: 2021-08-12. Review status: criteria provided, single submitter. Criteria: Ambry Variant Classification Scheme 2023. Collection method: clinical testing. Allele origin: germline.

GeneDx
Classification: Uncertain significance. Last evaluated: 2019-08-15. Review status: criteria provided, single submitter. Criteria: GeneDx Variant Classification Process June 2021. Collection method: clinical testing. Allele origin: germline. Affected: yes.
Comment: In silico analysis, which includes protein predictors and evolutionary conservation, supports that this variant does not alter protein structure/function; Has not been previously published as pathogenic or benign to our knowledge

Natera, Inc.
Classification: Uncertain significance for X-linked alpha-thalassemia-mental retardation syndrome. Last evaluated: 2020-07-30. Review status: no assertion criteria provided. Collection method: clinical testing. Allele origin: germline. Not counted in ClinVar's aggregate classification.